The following is an entry in ClinVar:

ClinVar aggregate classification (germline): Uncertain significance. Review status: criteria provided, multiple submitters, no conflicts (2 of 4 stars). 2 submissions from 2 submitters: Uncertain significance (2). Last evaluated 2024-11-28.

Conditions:
Inborn genetic diseases. Identifiers: MedGen C0950123, MeSH D030342.
Larsen-like syndrome, B3GAT3 type. Also called: Multiple joint dislocations, short stature, craniofacial dysmorphism, with or without congenital heart defects; MULTIPLE JOINT DISLOCATIONS, SHORT STATURE, AND CRANIOFACIAL DYSMORPHISM WITH OR WITHOUT CONGENITAL HEART DEFECTS. Identifiers: Orphanet 284139, MedGen CN034159, MONDO:0009511, OMIM 245600.

Allele frequency attached by ClinVar (database versions not stated): ESP Exome Variant Server 0.00008; gnomAD 0.00013 and 0.00014; TOPMed 0.00017; gnomAD exomes 0.00001 and 0.00004; ExAC 0.00007.
gnomAD v4.1: 30 of 1,614,048 alleles (0.0019%); highest among the groups gnomAD compares: African/African-American, 0.039%; no homozygotes.

Submissions (2):

Ambry Genetics
Classification: Uncertain significance for Inborn genetic diseases. Last evaluated: 2024-11-28. Review status: criteria provided, single submitter. Criteria: Ambry Variant Classification Scheme 2023. Collection method: clinical testing. Allele origin: germline.

Labcorp Genetics (formerly Invitae), Labcorp
Classification: Uncertain significance for Larsen-like syndrome, B3GAT3 type. Last evaluated: 2022-08-21. Review status: criteria provided, single submitter. Criteria: Invitae Variant Classification Sherloc (09022015). Collection method: clinical testing. Allele origin: germline.
Comment: This sequence change replaces valine, which is neutral and non-polar, with alanine, which is neutral and non-polar, at codon 289 of the B3GAT3 protein (p.Val289Ala). This variant is present in population databases (rs147681657, gnomAD 0.07%). This variant has not been reported in the literature in individuals affected with B3GAT3-related conditions. ClinVar contains an entry for this variant (Variation ID: 1396824). Algorithms developed to predict the effect of missense changes on protein structure and function (SIFT, PolyPhen-2, Align-GVGD) all suggest that this variant is likely to be disruptive. In summary, the available evidence is currently insufficient to determine the role of this variant in disease. Therefore, it has been classified as a Variant of Uncertain Significance.

NM_012200.4(B3GAT3):c.866T>C (p.Val289Ala)

Gene: B3GAT3 (beta-1,3-glucuronyltransferase 3; minus strand). Cytogenetic location: 11q12.3.
Variant type: single nucleotide variant.
Coding change: c.866T>C on transcript NM_012200.4 (MANE Select); coding-DNA position 866, T replaced by C.
Protein change: p.Val289Ala; replaces valine 289 with alanine.
Molecular consequence: missense variant. On other transcripts: non-coding transcript variant (1).
Genome position (GRCh38, 1-based): chr11:62,616,549, A>G on the plus strand (T>C on the coding strand, the complement: B3GAT3 is on the minus strand). VCF-style: chr11-62616549-A-G. GRCh37 (hg19) VCF-style: chr11-62384021-A-G.
Other names: c.866T>C (NM_012200.3); c.845T>C, p.Val282Ala (NM_001288721.2); c.866T>C, p.Val289Ala (NM_001288722.2, NM_001288723.2); short protein forms V289A, V282A.
Identifiers: ClinVar variation 1396824 (VCV001396824.6), dbSNP rs147681657, ClinGen allele CA6049996.